The following is an entry in ClinVar:

NC_000003.11:g.(?_25820045)_(25824881_?)dup

Gene: NGLY1 (N-glycanase 1; minus strand). Cytogenetic location: 3p24.2.
Variant type: Duplication.
Identifiers: ClinVar variation 1412152 (VCV001412152.4).

ClinVar aggregate classification (germline): Uncertain significance (1 of 4 stars; one submission).

Conditions:
Congenital disorder of deglycosylation (CDDG). Identifiers: MedGen C3808991, MONDO:0031376.

Submission:

Labcorp Genetics (formerly Invitae), Labcorp
Classification: Uncertain significance for Congenital disorder of deglycosylation. Last evaluated: 2021-06-05. Review status: criteria provided, single submitter. Criteria: Invitae Variant Classification Sherloc (09022015). Collection method: clinical testing. Allele origin: germline.
Comment: This variant results in a copy number gain of the genomic region encompassing exon(s) 1-2 of the NGLY1 gene. This region includes the initiator codon of the gene. The 5' end of this event is unknown as it extends beyond the assayed region for this gene and therefore may encompass additional genes. The 3' boundary is likely confined to intron 2 of the NGLY1 gene. As the precise location of this event is unknown, it may be in tandem or it may be located elsewhere in the genome. This variant has not been reported in the literature in individuals with NGLY1-related conditions. In summary, the available evidence is currently insufficient to determine the role of this variant in disease. Therefore, it has been classified as a Variant of Uncertain Significance.